The following is an entry in ClinVar:

ClinVar aggregate classification (germline): Conflicting classifications of pathogenicity. Review status: criteria provided, conflicting classifications (1 of 4 stars). 4 submissions from 4 submitters: Uncertain significance (3); Likely benign (1). Last evaluated 2026-01-11.

Conditions:
Hyperaldosteronism, familial, type IV (HALD4). Also called: FH IV; ALDOSTERONISM, PRIMARY, AND HYPERTENSION. Identifiers: Orphanet 642671, MedGen C4310756, MONDO:0014875, OMIM 617027.
Idiopathic generalized epilepsy. Also called: EIG; Generalised epilepsy. Identifiers: MedGen C0270850, MONDO:0005579, OMIM 600669.

Allele frequency attached by ClinVar (database versions not stated): ESP Exome Variant Server 0.00015; gnomAD 0.00018; ExAC 0.00022; TOPMed 0.00025; gnomAD exomes 0.00028.
gnomAD v4.1: 542 of 1,605,478 alleles (0.034%); highest among the groups gnomAD compares: Admixed American, 0.045%; 2 homozygotes.

Submissions (4):

Labcorp Genetics (formerly Invitae), Labcorp
Classification: Uncertain significance for Idiopathic generalized epilepsy; Hyperaldosteronism, familial, type IV. Last evaluated: 2026-01-11. Review status: criteria provided, single submitter. Criteria: Invitae Variant Classification Sherloc (09022015). Collection method: clinical testing. Allele origin: germline.
Comment: This sequence change replaces valine, which is neutral and non-polar, with methionine, which is neutral and non-polar, at codon 1374 of the CACNA1H protein (p.Val1374Met). This variant is present in population databases (rs201855332, gnomAD 0.06%), and has an allele count higher than expected for a pathogenic variant. This variant has not been reported in the literature in individuals affected with CACNA1H-related conditions. ClinVar contains an entry for this variant (Variation ID: 446952). Invitae Evidence Modeling of protein sequence and biophysical properties (such as structural, functional, and spatial information, amino acid conservation, physicochemical variation, residue mobility, and thermodynamic stability) indicates that this missense variant is expected to disrupt CACNA1H protein function with a positive predictive value of 80%. In summary, the available evidence is currently insufficient to determine the role of this variant in disease. Therefore, it has been classified as a Variant of Uncertain Significance.

Blueprint Genetics
Classification: Likely benign. Last evaluated: 2024-09-02. Review status: criteria provided, single submitter. Criteria: ACMG Guidelines, 2015. Collection method: clinical testing. Allele origin: germline.

Women's Health and Genetics/Laboratory Corporation of America, LabCorp
Classification: Uncertain significance. Last evaluated: 2023-07-19. Review status: criteria provided, single submitter. Criteria: LabCorp Variant Classification Summary - May 2015. Collection method: clinical testing. Allele origin: germline.
Comment: Variant summary: CACNA1H c.4120G>A (p.Val1374Met) results in a conservative amino acid change located in the Ion transport domain (IPR005821) of the encoded protein sequence. Four of five in-silico tools predict a damaging effect of the variant on protein function. The variant allele was found at a frequency of 0.00028 in 243392 control chromosomes (gnomAD). To our knowledge, no occurrence of c.4120G>A in individuals affected with Idiopathic Generalized Epilepsy and no experimental evidence demonstrating its impact on protein function have been reported. Two submitters have cited clinical-significance assessments for this variant to ClinVar after 2014, and classified the variant as uncertain significance. Based on the evidence outlined above, the variant was classified as uncertain significance.

Athena Diagnostics
Classification: Uncertain significance. Last evaluated: 2017-07-10. Review status: criteria provided, single submitter. Criteria: Athena Diagnostics Criteria. Collection method: clinical testing. Allele origin: germline.

NM_021098.3(CACNA1H):c.4120G>A (p.Val1374Met)

Gene: CACNA1H (calcium voltage-gated channel subunit alpha1 H; plus strand). Cytogenetic location: 16p13.3.
Variant type: single nucleotide variant.
Coding change: c.4120G>A on transcript NM_021098.3 (MANE Select); coding-DNA position 4120, G replaced by A.
Protein change: p.Val1374Met; replaces valine 1374 with methionine.
Molecular consequence: missense variant.
Genome position (GRCh38, 1-based): chr16:1,210,868, G>A. VCF-style: chr16-1210868-G-A. GRCh37 (hg19) VCF-style: chr16-1260868-G-A.
Other names: c.4120G>A, p.Val1374Met (NM_001005407.2); short protein forms V1374M.
Identifiers: ClinVar variation 446952 (VCV000446952.11), dbSNP rs201855332, ClinGen allele CA7801151.
Genomic context (GRCh38, chr16:1,210,868, plus strand): 5'-TCCGGCGAGCACGCCTACCTGCAGAGCAGCTGGAACCTGCTGGATGGGCTGCTGGTGCTG[G>A]TGTCCCTGGTGGACATTGTCGTGGCCATGGCCTCGGCTGGTGGCGCCAAGATCCTGGGTG-3'
Protein context (NP_066921.2, residues 1364-1384): WNLLDGLLVL[Val1374Met]SLVDIVVAMA